The following is an entry in ClinVar:

NM_003640.5(ELP1):c.2035del (p.Ser679fs)

Gene: ELP1 (elongator acetyltransferase complex subunit 1; minus strand). Cytogenetic location: 9q31.3.
Variant type: Deletion.
Coding change: c.2035del on transcript NM_003640.5 (MANE Select); coding-DNA position 2035, one base deleted (A; older notation c.2035delA).
Protein change: p.Ser679fs; shifts the reading frame from serine 679.
Molecular consequence: frameshift variant.
Genome position (GRCh38, 1-based): chr9:108,900,355, T deleted on the plus strand (A on the coding strand, the reverse complement: ELP1 is on the minus strand). VCF-style (leftmost placement, unchanged base first): chr9-108900354-CT-C. GRCh37 (hg19) VCF-style: chr9-111662634-CT-C.
Other names: c.1693del, p.Ser565fs (NM_001318360.2); c.988del, p.Ser330fs (NM_001330749.2); short protein forms S330fs, S565fs, S679fs.
Identifiers: ClinVar variation 640658 (VCV000640658.6), dbSNP rs1587895234, ClinGen allele CA915947100.

ClinVar aggregate classification (germline): Pathogenic (1 of 4 stars; one submission).

Submission:

Labcorp Genetics (formerly Invitae), Labcorp
Classification: Pathogenic. Last evaluated: 2018-12-04. Review status: criteria provided, single submitter. Criteria: Invitae Variant Classification Sherloc (09022015). Collection method: clinical testing. Allele origin: germline.
Comment: This sequence change creates a premature translational stop signal (p.Ser679Alafs*38) in the ELP1 gene. It is expected to result in an absent or disrupted protein product. For these reasons, this variant has been classified as Pathogenic. Loss-of-function variants in ELP1 are known to be pathogenic (PMID: 18303054, 24173031). This variant has not been reported in the literature in individuals with ELP1-related conditions. This variant is not present in population databases (ExAC no frequency).

Literature cited by the submitters: PubMed 18303054; PubMed 24173031.